The following is an entry in ClinVar:

ClinVar aggregate classification (germline): Uncertain significance (1 of 4 stars; one submission).

Conditions:
Inborn genetic diseases. Identifiers: MedGen C0950123, MeSH D030342.

Submission:

Ambry Genetics
Classification: Uncertain significance for Inborn genetic diseases. Last evaluated: 2022-09-25. Review status: criteria provided, single submitter. Criteria: Ambry Variant Classification Scheme 2023. Collection method: clinical testing. Allele origin: germline.
Comment: The p.T164S variant (also known as c.491C>G), located in coding exon 2 of the ACD gene, results from a C to G substitution at nucleotide position 491. The threonine at codon 164 is replaced by serine, an amino acid with similar properties. This amino acid position is conserved. In addition, this alteration is predicted to be tolerated by in silico analysis. Since supporting evidence is limited at this time, the clinical significance of this alteration remains unclear.

NM_001082486.2(ACD):c.233C>G (p.Thr78Ser)

Gene: ACD (ACD shelterin complex subunit and telomerase recruitment factor; minus strand). Cytogenetic location: 16q22.1.
Variant type: single nucleotide variant.
Coding change: c.233C>G on transcript NM_001082486.2 (MANE Select); coding-DNA position 233, C replaced by G.
Protein change: p.Thr78Ser; replaces threonine 78 with serine.
Molecular consequence: missense variant.
Genome position (GRCh38, 1-based): chr16:67,659,912, G>C on the plus strand (C>G on the coding strand, the complement: ACD is on the minus strand). VCF-style: chr16-67659912-G-C. GRCh37 (hg19) VCF-style: chr16-67693815-G-C.
Other names: c.233C>G, p.Thr78Ser (NM_001410884.1); c.224C>G, p.Thr75Ser (NM_022914.3); short protein forms T75S, T78S.
Identifiers: ClinVar variation 1744103 (VCV001744103.2), dbSNP rs375257354, ClinGen allele CA396356434.